The following is an entry in ClinVar:

NM_020458.4(TTC7A):c.1447G>A (p.Gly483Arg)

Gene: TTC7A (tetratricopeptide repeat domain 7A; plus strand). Cytogenetic location: 2p21.
Variant type: single nucleotide variant.
Coding change: c.1447G>A on transcript NM_020458.4 (MANE Select); coding-DNA position 1447, G replaced by A.
Protein change: p.Gly483Arg; replaces glycine 483 with arginine.
Molecular consequence: missense variant.
Genome position (GRCh38, 1-based): chr2:47,021,916, G>A. VCF-style: chr2-47021916-G-A. GRCh37 (hg19) VCF-style: chr2-47249055-G-A.
Other names: c.1447G>A, p.Gly483Arg (NM_001288951.2, LRG_1323t1); c.1345G>A, p.Gly449Arg (NM_001288953.2); c.385G>A, p.Gly129Arg (NM_001288955.2); short protein forms G449R, G483R, G129R.
Identifiers: ClinVar variation 573397 (VCV000573397.32), dbSNP rs150438028, ClinGen allele CA1647671.

ClinVar aggregate classification (germline): Conflicting classifications of pathogenicity. Review status: criteria provided, conflicting classifications (1 of 4 stars). 4 submissions from 4 submitters: Uncertain significance (2); Likely benign (2). Last evaluated 2026-03-01.

Conditions:
Gastrointestinal defect and immunodeficiency syndrome. Also called: Gastrointestinal defects and immunodeficiency syndrome. Identifiers: MedGen C5234880, MONDO:0030831.
Multiple gastrointestinal atresias. Also called: FAMILIAL INTESTINAL POLYATRESIA SYNDROME; Multiple intestinal atresia. Identifiers: Orphanet 2300, MedGen C0220744, MONDO:0009465.

Allele frequency attached by ClinVar (database versions not stated): ESP Exome Variant Server 0.00069; 1000 Genomes Project 0.00080; 1000 Genomes Project 30x 0.00094; TOPMed 0.00107; ExAC 0.00120; gnomAD exomes 0.00122; gnomAD 0.00166.
gnomAD v4.1: 1,914 of 1,614,058 alleles (0.12%); highest among the groups gnomAD compares: Admixed American, 0.17%; 3 homozygotes.

Submissions (4):

CeGaT Center for Human Genetics Tuebingen
Classification: Likely benign. Last evaluated: 2026-03-01. Review status: criteria provided, single submitter. Criteria: CeGaT Center For Human Genetics Tuebingen Variant Classification Criteria Version 2. Collection method: clinical testing. Allele origin: germline. Affected: yes. Observed: 2 variant alleles.
Comment: TTC7A: BS2

Labcorp Genetics (formerly Invitae), Labcorp
Classification: Likely benign for Multiple gastrointestinal atresias. Last evaluated: 2026-02-02. Review status: criteria provided, single submitter. Criteria: Invitae Variant Classification Sherloc (09022015). Collection method: clinical testing. Allele origin: germline.

Blueprint Genetics
Classification: Uncertain significance. Last evaluated: 2024-11-14. Review status: criteria provided, single submitter. Criteria: ACMG Guidelines, 2015. Collection method: clinical testing. Allele origin: germline.

Mayo Clinic Laboratories, Mayo Clinic
Classification: Uncertain significance. Last evaluated: 2019-08-11. Review status: criteria provided, single submitter. Criteria: ACMG Guidelines, 2015. Collection method: clinical testing. Allele origin: germline. Observed: 1 variant allele.